The following is an entry in ClinVar:

NM_014049.5(ACAD9):c.1843C>T (p.His615Tyr)

Genes: ACAD9 (acyl-CoA dehydrogenase family member 9; plus strand), CFAP92 (cilia and flagella associated protein 92 (putative); minus strand). Cytogenetic location: 3q21.3.
Variant type: single nucleotide variant.
Coding change: c.1843C>T on transcript NM_014049.5 (MANE Select); coding-DNA position 1843, C replaced by T.
Protein change: p.His615Tyr; replaces histidine 615 with tyrosine.
Molecular consequence: missense variant. On other transcripts: non-coding transcript variant (1), intron variant (3).
Genome position (GRCh38, 1-based): chr3:128,912,584, C>T. VCF-style: chr3-128912584-C-T. GRCh37 (hg19) VCF-style: chr3-128631427-C-T.
Other names: c.1474C>T, p.His492Tyr (NM_001410805.1); c.2312-2251G>A (NM_001348521.2); c.2408-2251G>A (NM_001348520.2); c.3281-2251G>A (NM_001394090.1); short protein forms H615Y, H492Y.
Identifiers: ClinVar variation 1970812 (VCV001970812.2), dbSNP rs2529108108, ClinGen allele CA354441747.

ClinVar aggregate classification (germline): Uncertain significance (1 of 4 stars; one submission).

Allele frequency attached by ClinVar (database versions not stated): gnomAD exomes below 0.00001.
gnomAD v4.1: 2 of 1,614,184 alleles (0.00012%); highest among the groups gnomAD compares: Non-Finnish European, 0.00017%; no homozygotes.

Submission:

Labcorp Genetics (formerly Invitae), Labcorp
Classification: Uncertain significance. Last evaluated: 2022-04-06. Review status: criteria provided, single submitter. Criteria: Invitae Variant Classification Sherloc (09022015). Collection method: clinical testing. Allele origin: germline.
Comment: This sequence change replaces histidine, which is basic and polar, with tyrosine, which is neutral and polar, at codon 615 of the ACAD9 protein (p.His615Tyr). This variant is not present in population databases (gnomAD no frequency). This variant has not been reported in the literature in individuals affected with ACAD9-related conditions. Advanced modeling of protein sequence and biophysical properties (such as structural, functional, and spatial information, amino acid conservation, physicochemical variation, residue mobility, and thermodynamic stability) performed at Invitae indicates that this missense variant is expected to disrupt ACAD9 protein function. In summary, the available evidence is currently insufficient to determine the role of this variant in disease. Therefore, it has been classified as a Variant of Uncertain Significance.